The following is an entry in ClinVar:

NM_000368.5(TSC1):c.3164G>A (p.Arg1055Lys)

Gene: TSC1 (TSC complex subunit 1; minus strand). Cytogenetic location: 9q34.13.
Variant type: single nucleotide variant.
Coding change: c.3164G>A on transcript NM_000368.5 (MANE Select); coding-DNA position 3164, G replaced by A.
Protein change: p.Arg1055Lys; replaces arginine 1055 with lysine.
Molecular consequence: missense variant. On other transcripts: non-coding transcript variant (5).
Genome position (GRCh38, 1-based): chr9:132,896,566, C>T on the plus strand (G>A on the coding strand, the complement: TSC1 is on the minus strand). VCF-style: chr9-132896566-C-T. GRCh37 (hg19) VCF-style: chr9-135771953-C-T.
Other names: c.3161G>A, p.Arg1054Lys (NM_001162426.2, NM_001406597.1, NM_001406598.1 and 2 more transcripts); c.3011G>A, p.Arg1004Lys (NM_001162427.2, NM_001406610.1); c.2801G>A, p.Arg934Lys (NM_001362177.2, NM_001406614.1, NM_001406615.1 and 4 more transcripts); c.3164G>A, p.Arg1055Lys (NM_001406592.1, NM_001406593.1, NM_001406594.1 and 2 more transcripts); c.3149G>A, p.Arg1050Lys (NM_001406601.1, NM_001406602.1); c.3146G>A, p.Arg1049Lys (NM_001406603.1, NM_001406604.1); c.3122G>A, p.Arg1041Lys (NM_001406605.1, NM_001406606.1, NM_001406607.1); c.3119G>A, p.Arg1040Lys (NM_001406608.1, NM_001406609.1); and 8 more; short protein forms R1003K, R1004K, R1040K, R1041K, R1049K, R1050K, R1054K, R1055K.
Identifiers: ClinVar variation 3607756 (VCV003607756.2).

ClinVar aggregate classification (germline): Uncertain significance (1 of 4 stars; one submission).

Conditions:
Tuberous sclerosis 1 (TSC1). Identifiers: Orphanet 805, MedGen C1854465, MONDO:0008612, OMIM 191100.

Submission:

Labcorp Genetics (formerly Invitae), Labcorp
Classification: Uncertain significance for Tuberous sclerosis 1. Last evaluated: 2024-12-24. Review status: criteria provided, single submitter. Criteria: Invitae Variant Classification Sherloc (09022015). Collection method: clinical testing. Allele origin: germline.
Comment: This sequence change replaces arginine, which is basic and polar, with lysine, which is basic and polar, at codon 1055 of the TSC1 protein (p.Arg1055Lys). This variant is not present in population databases (gnomAD no frequency). This variant has not been reported in the literature in individuals affected with TSC1-related conditions. Invitae Evidence Modeling of protein sequence and biophysical properties (such as structural, functional, and spatial information, amino acid conservation, physicochemical variation, residue mobility, and thermodynamic stability) indicates that this missense variant is not expected to disrupt TSC1 protein function with a negative predictive value of 95%. In summary, the available evidence is currently insufficient to determine the role of this variant in disease. Therefore, it has been classified as a Variant of Uncertain Significance.